The following is an entry in ClinVar:

ClinVar aggregate classification (germline): Uncertain significance. Review status: criteria provided, multiple submitters, no conflicts (2 of 4 stars). 4 submissions from 4 submitters: Uncertain significance (4). Last evaluated 2023-11-14.

Conditions:
Cardiovascular phenotype. Identifiers: MedGen CN230736.
Spinocerebellar ataxia type 19/22 (SCA19). Also called: SPINOCEREBELLAR ATAXIA 19; SPINOCEREBELLAR ATAXIA 22. Identifiers: Orphanet 98772, MedGen C1846367, MONDO:0011819, OMIM 607346.

Allele frequency attached by ClinVar (database versions not stated): gnomAD exomes below 0.00001.
gnomAD v4.1: 1 of 1,614,056 alleles (0.000062%); highest among the groups gnomAD compares: Non-Finnish European, 0.000085%; no homozygotes.

Submissions (4):

Ambry Genetics
Classification: Uncertain significance for Cardiovascular phenotype. Last evaluated: 2023-11-14. Review status: criteria provided, single submitter. Criteria: Ambry Variant Classification Scheme 2023. Collection method: clinical testing. Allele origin: germline.
Comment: The p.D149G variant (also known as c.446A>G), located in coding exon 1 of the KCND3 gene, results from an A to G substitution at nucleotide position 446. The aspartic acid at codon 149 is replaced by glycine, an amino acid with similar properties. This amino acid position is highly conserved in available vertebrate species. In addition, this alteration is predicted to be deleterious by in silico analysis. Since supporting evidence is limited at this time, the clinical significance of this alteration remains unclear.

AiLife Diagnostics
Classification: Uncertain significance. Last evaluated: 2021-07-28. Review status: criteria provided, single submitter. Criteria: ACMG Guidelines, 2015. Collection method: clinical testing. Allele origin: germline. Affected: yes. Observed: 1 variant allele.

Labcorp Genetics (formerly Invitae), Labcorp
Classification: Uncertain significance for Spinocerebellar ataxia type 19/22. Last evaluated: 2020-06-05. Review status: criteria provided, single submitter. Criteria: Invitae Variant Classification Sherloc (09022015). Collection method: clinical testing. Allele origin: germline.
Comment: This sequence change replaces aspartic acid with glycine at codon 149 of the KCND3 protein (p.Asp149Gly). The aspartic acid residue is highly conserved and there is a moderate physicochemical difference between aspartic acid and glycine. In summary, the available evidence is currently insufficient to determine the role of this variant in disease. Therefore, it has been classified as a Variant of Uncertain Significance. Algorithms developed to predict the effect of missense changes on protein structure and function are either unavailable or do not agree on the potential impact of this missense change (SIFT: "Deleterious"; PolyPhen-2: "Benign"; Align-GVGD: "Class C15"). This variant has not been reported in the literature in individuals with KCND3-related conditions. ClinVar contains an entry for this variant (Variation ID: 447628). This variant is not present in population databases (ExAC no frequency).

Athena Diagnostics
Classification: Uncertain significance. Last evaluated: 2016-11-08. Review status: criteria provided, single submitter. Criteria: Athena Diagnostics Criteria. Collection method: clinical testing. Allele origin: germline.

NM_001378969.1(KCND3):c.446A>G (p.Asp149Gly)

Gene: KCND3 (potassium voltage-gated channel subfamily D member 3; minus strand). Cytogenetic location: 1p13.2.
Variant type: single nucleotide variant.
Coding change: c.446A>G on transcript NM_001378969.1 (MANE Select); coding-DNA position 446, A replaced by G.
Protein change: p.Asp149Gly; replaces aspartic acid 149 with glycine.
Molecular consequence: missense variant.
Genome position (GRCh38, 1-based): chr1:111,982,281, T>C on the plus strand (A>G on the coding strand, the complement: KCND3 is on the minus strand). VCF-style: chr1-111982281-T-C. GRCh37 (hg19) VCF-style: chr1-112524903-T-C.
Other names: c.446A>G, p.Asp149Gly (NM_001378970.1, NM_004980.5, NM_172198.3); short protein forms D149G.
Identifiers: ClinVar variation 447628 (VCV000447628.11), dbSNP rs1217571134, ClinGen allele CA341822125.